The following is an entry in ClinVar:

ClinVar aggregate classification (germline): Uncertain significance (1 of 4 stars; one submission).

Allele frequency attached by ClinVar (database versions not stated): ExAC below 0.00001; gnomAD 0.00001; TOPMed 0.00002.
gnomAD v4.1: 21 of 1,552,196 alleles (0.0014%); highest among the groups gnomAD compares: Non-Finnish European, 0.0018%; 1 homozygote.

Submission:

Labcorp Genetics (formerly Invitae), Labcorp
Classification: Uncertain significance. Last evaluated: 2022-05-05. Review status: criteria provided, single submitter. Criteria: Invitae Variant Classification Sherloc (09022015). Collection method: clinical testing. Allele origin: germline.
Comment: In summary, the available evidence is currently insufficient to determine the role of this variant in disease. Therefore, it has been classified as a Variant of Uncertain Significance. Algorithms developed to predict the effect of missense changes on protein structure and function output the following: SIFT: "Tolerated"; PolyPhen-2: "Benign"; Align-GVGD: "Class C0". The threonine amino acid residue is found in multiple mammalian species, which suggests that this missense change does not adversely affect protein function. ClinVar contains an entry for this variant (Variation ID: 943743). This variant has not been reported in the literature in individuals affected with SAMD11-related conditions. This variant is present in population databases (rs747575887, gnomAD 0.002%). This sequence change replaces alanine, which is neutral and non-polar, with threonine, which is neutral and polar, at codon 453 of the SAMD11 protein (p.Ala453Thr).

NM_001385641.1(SAMD11):c.1846G>A (p.Ala616Thr)

Gene: SAMD11 (sterile alpha motif domain containing 11; plus strand). Cytogenetic location: 1p36.33.
Variant type: single nucleotide variant.
Coding change: c.1846G>A on transcript NM_001385641.1 (MANE Select); coding-DNA position 1846, G replaced by A.
Protein change: p.Ala616Thr; replaces alanine 616 with threonine.
Molecular consequence: missense variant.
Genome position (GRCh38, 1-based): chr1:942,851, G>A. VCF-style: chr1-942851-G-A. GRCh37 (hg19) VCF-style: chr1-878231-G-A.
Other names: c.1849G>A, p.Ala617Thr (NM_001385640.1); c.1357G>A, p.Ala453Thr (NM_152486.4); short protein forms A453T, A616T, A617T.
Identifiers: ClinVar variation 943743 (VCV000943743.7), dbSNP rs747575887, ClinGen allele CA503001.